The following is an entry in ClinVar:

ClinVar aggregate classification (germline): Conflicting classifications of pathogenicity. Review status: criteria provided, conflicting classifications (1 of 4 stars). 3 submissions from 3 submitters: Likely pathogenic (1); Uncertain significance (2). Last evaluated 2025-05-15.

Conditions:
Inborn genetic diseases. Identifiers: MedGen C0950123, MeSH D030342.

Submissions (3):

GeneDx
Classification: Likely pathogenic. Last evaluated: 2025-05-15. Review status: criteria provided, single submitter. Criteria: GeneDx Variant Classification Process June 2021. Collection method: clinical testing. Allele origin: germline. Affected: yes.
Comment: Not observed at significant frequency in large population cohorts (gnomAD); In silico analysis supports that this missense variant has a deleterious effect on protein structure/function; Has not been previously published as pathogenic or benign to our knowledge

Ambry Genetics
Classification: Uncertain significance for Inborn genetic diseases. Last evaluated: 2017-05-25. Review status: criteria provided, single submitter. Criteria: Ambry exome assertion method (8-5-2015). Collection method: clinical testing. Allele origin: germline. Affected: yes. Observed: 1 variant allele.

ARUP Laboratories, Molecular Genetics and Genomics, ARUP Laboratories
Classification: Uncertain significance. Last evaluated: 2016-12-20. Review status: criteria provided, single submitter. Criteria: ARUP Molecular Germline Variant Investigation Process. Collection method: clinical testing. Allele origin: germline.

Literature cited by the submitters: PubMed 1505078 (cited by Ambry Genetics); PubMed 10995512 (cited by Ambry Genetics); PubMed 21505078 (cited by Ambry Genetics).

NM_000489.6(ATRX):c.5540A>T (p.Tyr1847Phe)

Gene: ATRX (ATRX chromatin remodeler; minus strand). Cytogenetic location: Xq21.1.
Variant type: single nucleotide variant.
Coding change: c.5540A>T on transcript NM_000489.6 (MANE Select); coding-DNA position 5540, A replaced by T.
Protein change: p.Tyr1847Phe; replaces tyrosine 1847 with phenylalanine.
Molecular consequence: missense variant.
Genome position (GRCh38, 1-based): chrX:77,616,639, T>A on the plus strand (A>T on the coding strand, the complement: ATRX is on the minus strand). VCF-style: chrX-77616639-T-A. GRCh37 (hg19) VCF-style: chrX-76872107-T-A.
Other names: c.5426A>T, p.Tyr1809Phe (NM_138270.5); short protein forms Y1847F, Y1809F.
Identifiers: ClinVar variation 384540 (VCV000384540.13), dbSNP rs1057521987, ClinGen allele CA16608940.
Genomic context (GRCh38, chrX:77,616,639, plus strand): 5'-AGAGAAGATGAAATCAACAAGGTGTATTGTTTACCTGTTAAGTGATCTAAGTAGTACTGA[T>A]AGAGCTTGCACTGAATAGAAGTCATTCTCACAGCTAACACATATTCGTGTTTTGGAGGCA-3'
Protein context (NP_000480.3, residues 1837-1857): VRMTSIQCKL[Tyr1847Phe]QYYLDHLTGV